The following is an entry in ClinVar:

NM_003036.4(SKI):c.969+11067G>A

Gene: SKI (SKI proto-oncogene; plus strand). Cytogenetic location: 1p36.33.
Variant type: single nucleotide variant.
Coding change: c.969+11067G>A on transcript NM_003036.4 (MANE Select); 11067 bases into the intron after coding-DNA position 969, G replaced by A.
Molecular consequence: intron variant.
Genome position (GRCh38, 1-based): chr1:2,240,802, G>A. VCF-style: chr1-2240802-G-A. GRCh37 (hg19) VCF-style: chr1-2172241-G-A.
Identifiers: ClinVar variation 4076447 (VCV004076447.1), dbSNP rs74658298.

ClinVar aggregate classification (germline): Benign (1 of 4 stars; one submission).

gnomAD v4.1: 2,416 of 985,372 alleles (0.25%); highest among the groups gnomAD compares: African/African-American, 3.4%; 38 homozygotes.

Submission:

Molecular Diagnostic Laboratory for Inherited Cardiovascular Disease, Montreal Heart Institute
Classification: Benign. Last evaluated: 2025-07-24. Review status: criteria provided, single submitter. Criteria: ACMG Guidelines, 2015. Collection method: clinical testing. Allele origin: germline. Affected: no.
Comment: BS1